The following is an entry in ClinVar:

NM_001943.5(DSG2):c.524-2A>G

Gene: DSG2 (desmoglein 2; plus strand). Cytogenetic location: 18q12.1.
Variant type: single nucleotide variant.
Coding change: c.524-2A>G on transcript NM_001943.5 (MANE Select); the canonical splice acceptor site of the intron before coding-DNA position 524, A replaced by G.
Molecular consequence: splice acceptor variant.
Genome position (GRCh38, 1-based): chr18:31,522,081, A>G. VCF-style: chr18-31522081-A-G. GRCh37 (hg19) VCF-style: chr18-29102044-A-G.
Identifiers: ClinVar variation 1480088 (VCV001480088.8), dbSNP rs2144317638, ClinGen allele CA402133265.

ClinVar aggregate classification (germline): Likely pathogenic (1 of 4 stars; one submission).

Conditions:
Arrhythmogenic right ventricular dysplasia 10. Also called: Arrhythmogenic Right Ventricular Dysplasia/Cardiomyopathy10; Arrhythmogenic right ventricular dysplasia/cardiomyopathy, type 10; ARRHYTHMOGENIC RIGHT VENTRICULAR DYSPLASIA, FAMILIAL, 10. Identifiers: MedGen C1857777, MONDO:0012434, OMIM 610193.

Submission:

Labcorp Genetics (formerly Invitae), Labcorp
Classification: Likely pathogenic for Arrhythmogenic right ventricular dysplasia 10. Last evaluated: 2020-12-15. Review status: criteria provided, single submitter. Criteria: Invitae Variant Classification Sherloc (09022015). Collection method: clinical testing. Allele origin: germline.
Comment: In summary, the currently available evidence indicates that the variant is pathogenic, but additional data are needed to prove that conclusively. Therefore, this variant has been classified as Likely Pathogenic. Algorithms developed to predict the effect of sequence changes on RNA splicing suggest that this variant may disrupt the consensus splice site, but this prediction has not been confirmed by published transcriptional studies. This variant has not been reported in the literature in individuals with DSG2-related conditions. This variant is not present in population databases (ExAC no frequency). This sequence change affects an acceptor splice site in intron 5 of the DSG2 gene. It is expected to disrupt RNA splicing. Variants that disrupt the donor or acceptor splice site typically lead to a loss of protein function (PMID: 16199547), and loss-of-function variants in DSG2 are known to be pathogenic (PMID: 23381804, 23911551).

Literature cited by the submitters: PubMed 16199547; PubMed 23381804; PubMed 23911551.